The following is an entry in ClinVar:

ClinVar aggregate classification (germline): Conflicting classifications of pathogenicity. Review status: criteria provided, conflicting classifications (1 of 4 stars). 8 submissions from 8 submitters: Uncertain significance (2); Likely benign (4). 2 of the submissions do not count toward it. Last evaluated 2025-08-08.

Conditions:
PLCE1-related disorder. Also called: PLCE1-related condition.
Nephrotic syndrome, type 3 (NPHS3). Also called: NEPHROTIC SYNDROME, EARLY-ONSET, TYPE 3. Identifiers: Orphanet 656, MedGen C1853124, MONDO:0012546, OMIM 610725.
Polycystic kidney disease. Also called: Kidney, Polycystic; Polycystic kidney dysplasia. Identifiers: MedGen C0022680, MeSH D007690, MONDO:0020642, HP:0000113.
Focal segmental glomerulosclerosis (FSGS). Also called: Glomerulosclerosis, focal; Focal sclerosis with hyalinosis. Identifiers: MedGen C0017668, MONDO:0100313, HP:0000097. Disease mechanism: loss of function.

Allele frequency attached by ClinVar (database versions not stated): 1000 Genomes Project 0.00080; 1000 Genomes Project 30x 0.00109; ExAC 0.00182; TOPMed 0.00194; gnomAD 0.00197 and 0.00200; ESP Exome Variant Server 0.00205; gnomAD exomes 0.00209 and 0.00290.
gnomAD v4.1: 4,528 of 1,614,142 alleles (0.28%); highest among the groups gnomAD compares: Middle Eastern, 0.38%; 15 homozygotes.

Submissions (8):

Labcorp Genetics (formerly Invitae), Labcorp
Classification: Likely benign. Last evaluated: 2025-08-08. Review status: criteria provided, single submitter. Criteria: Invitae Variant Classification Sherloc (09022015). Collection method: clinical testing. Allele origin: germline.

CeGaT Center for Human Genetics Tuebingen
Classification: Likely benign. Last evaluated: 2024-11-01. Review status: criteria provided, single submitter. Criteria: CeGaT Center For Human Genetics Tuebingen Variant Classification Criteria Version 2. Collection method: clinical testing. Allele origin: germline. Affected: yes. Observed: 3 variant alleles.
Comment: PLCE1: BP4, BS2

Blueprint Genetics
Classification: Likely benign. Last evaluated: 2024-10-30. Review status: criteria provided, single submitter. Criteria: ACMG Guidelines, 2015. Collection method: clinical testing. Allele origin: germline.

UNC Molecular Genetics  Laboratory, University of North Carolina at Chapel Hill
Classification: Uncertain significance for Polycystic kidney disease. Last evaluated: 2022-01-20. Review status: criteria provided, single submitter. Criteria: ACMG Guidelines, 2015. Collection method: clinical testing. Allele origin: germline. Affected: yes. Observed: 1 compound heterozygote.

Genome Diagnostics Laboratory, The Hospital for Sick Children
Classification: Likely benign for Focal segmental glomerulosclerosis. Last evaluated: 2020-01-01. Review status: criteria provided, single submitter. Criteria: ACMG Guidelines, 2015. Collection method: clinical testing. Allele origin: germline.

Illumina Laboratory Services, Illumina
Classification: Uncertain significance for Nephrotic syndrome, type 3. Last evaluated: 2018-01-12. Review status: criteria provided, single submitter. Criteria: ICSL Variant Classification Criteria 13 December 2019. Collection method: clinical testing. Allele origin: germline.

PreventionGenetics, part of Exact Sciences
Classification: Likely benign for PLCE1-related condition. Last evaluated: 2020-11-11. Review status: no assertion criteria provided. Collection method: clinical testing. Allele origin: germline. Not counted in ClinVar's aggregate classification.
Comment: This variant is classified as likely benign based on ACMG/AMP sequence variant interpretation guidelines (Richards et al. 2015 PMID: 25741868, with internal and published modifications).

Department of Pathology and Laboratory Medicine, Sinai Health System
Classification: Likely benign. Review status: no assertion criteria provided. Collection method: clinical testing. Allele origin: unknown. Affected: yes. Study: The Canadian Open Genetics Repository (COGR). Not counted in ClinVar's aggregate classification.
Comment: The PLCE1 p.Ser1000Asn variant was not identified in the literature nor was it identified in ClinVar, Cosmic or LOVD 3.0. The variant was identified in dbSNP (ID: rs61751498) and in control databases in 568 of 280560 chromosomes (1 homozygous) at a frequency of 0.002025 increasing the likelihood this could be a low frequency benign variant (Genome Aggregation Database Feb 27, 2017). The variant was observed in the following populations: Ashkenazi Jewish in 82 of 10346 chromosomes (freq: 0.007926), Other in 22 of 7128 chromosomes (freq: 0.003086), European (non-Finnish) in 331 of 128400 chromosomes (freq: 0.002578), South Asian in 62 of 30596 chromosomes (freq: 0.002026), Latino in 51 of 35364 chromosomes (freq: 0.001442), African in 17 of 24202 chromosomes (freq: 0.000702) and European (Finnish) in 3 of 25014 chromosomes (freq: 0.00012) but was not observed in the East Asian population. The p.Ser1000 residue is not conserved in mammals and computational analyses (PolyPhen-2, SIFT, AlignGVGD, BLOSUM, MutationTaster) do not suggest a high likelihood of impact to the protein; however, this information is not predictive enough to rule out pathogenicity. The variant occurs outside of the splicing consensus sequence and only two of four in silico or computational prediction software programs (SpliceSiteFinder, MaxEntScan, NNSPLICE, GeneSplicer) predict a greater than 10% difference in splicing; this is not very predictive of pathogenicity. In summary, based on the above information the clinical significance of this variant cannot be determined with certainty at this time although we would lean towards a more benign role for this variant. This variant is classified as likely benign.

NM_016341.4(PLCE1):c.2999G>A (p.Ser1000Asn)

Gene: PLCE1 (phospholipase C epsilon 1; plus strand). Cytogenetic location: 10q23.33.
Variant type: single nucleotide variant.
Coding change: c.2999G>A on transcript NM_016341.4 (MANE Select); coding-DNA position 2999, G replaced by A.
Protein change: p.Ser1000Asn; replaces serine 1000 with asparagine.
Molecular consequence: missense variant.
Genome position (GRCh38, 1-based): chr10:94,246,524, G>A. VCF-style: chr10-94246524-G-A. GRCh37 (hg19) VCF-style: chr10-96006281-G-A.
Other names: c.2075G>A, p.Ser692Asn (NM_001165979.2); c.2999G>A, p.Ser1000Asn (NM_001288989.2); short protein forms S1000N, S692N.
Identifiers: ClinVar variation 769371 (VCV000769371.44), dbSNP rs61751498, ClinGen allele CA5612747.